The following is an entry in ClinVar:

NM_031917.3(ANGPTL6):c.392A>T (p.Glu131Val)

Genes: ANGPTL6 (angiopoietin like 6; minus strand), LOC130063466 (ATAC-STARR-seq lymphoblastoid silent region 10053; plus strand). Cytogenetic location: 19p13.2.
Variant type: single nucleotide variant.
Coding change: c.392A>T on transcript NM_031917.3 (MANE Select); coding-DNA position 392, A replaced by T.
Protein change: p.Glu131Val; replaces glutamic acid 131 with valine.
Molecular consequence: missense variant.
Genome position (GRCh38, 1-based): chr19:10,096,172, T>A on the plus strand (A>T on the coding strand, the complement: ANGPTL6 is on the minus strand). VCF-style: chr19-10096172-T-A. GRCh37 (hg19) VCF-style: chr19-10206848-T-A.
Other names: c.392A>T, p.Glu131Val (NM_001321411.2, NM_001387347.1, NM_001387348.1); short protein forms E131V.
Identifiers: ClinVar variation 3048138 (VCV003048138.3), dbSNP rs576667683, ClinGen allele CA9185463.

ClinVar aggregate classification (germline): Uncertain significance. Review status: criteria provided, single submitter (1 of 4 stars). 2 submissions from 2 submitters: Uncertain significance (1). 1 of the submissions does not count toward it. Last evaluated 2024-11-26.

Conditions:
ANGPTL6-related disorder. Also called: ANGPTL6-related condition.

Allele frequency attached by ClinVar (database versions not stated): 1000 Genomes Project 0.00080; 1000 Genomes Project 30x 0.00094; gnomAD 0.00158; TOPMed 0.00174.

Submissions (2):

Blueprint Genetics
Classification: Uncertain significance. Last evaluated: 2024-11-26. Review status: criteria provided, single submitter. Criteria: ACMG Guidelines, 2015. Collection method: clinical testing. Allele origin: germline.

PreventionGenetics, part of Exact Sciences
Classification: Likely benign for ANGPTL6-related condition. Last evaluated: 2022-10-18. Review status: no assertion criteria provided. Collection method: clinical testing. Allele origin: germline. Not counted in ClinVar's aggregate classification.
Comment: This variant is classified as likely benign based on ACMG/AMP sequence variant interpretation guidelines (Richards et al. 2015 PMID: 25741868, with internal and published modifications).